The following is an entry in ClinVar:

NM_133433.4(NIPBL):c.1816C>T (p.Pro606Ser)

Gene: NIPBL (NIPBL cohesin loading factor; plus strand). Cytogenetic location: 5p13.2.
Variant type: single nucleotide variant.
Coding change: c.1816C>T on transcript NM_133433.4 (MANE Select); coding-DNA position 1816, C replaced by T.
Protein change: p.Pro606Ser; replaces proline 606 with serine.
Molecular consequence: missense variant.
Genome position (GRCh38, 1-based): chr5:36,984,996, C>T. VCF-style: chr5-36984996-C-T. GRCh37 (hg19) VCF-style: chr5-36985098-C-T.
Other names: c.1816C>T, p.Pro606Ser (NM_015384.5); short protein forms P606S.
Identifiers: ClinVar variation 2868505 (VCV002868505.3), dbSNP rs147532293, ClinGen allele CA359494988.

ClinVar aggregate classification (germline): Uncertain significance (1 of 4 stars; one submission).

Conditions:
Cornelia de Lange syndrome 1 (CDLS1). Also called: Brachmann de Lange syndrome; NIPBL-Related Cornelia de Lange Syndrome; TYPUS DEGENERATIVUS AMSTELODAMENSIS. Identifiers: Orphanet 199, MedGen C4551851, MONDO:0007387, OMIM 122470.

gnomAD v4.1: 1 of 1,613,762 alleles (0.000062%); highest among the groups gnomAD compares: Non-Finnish European, 0.000085%; no homozygotes.

Submission:

Labcorp Genetics (formerly Invitae), Labcorp
Classification: Uncertain significance for Cornelia de Lange syndrome 1. Last evaluated: 2023-12-02. Review status: criteria provided, single submitter. Criteria: Invitae Variant Classification Sherloc (09022015). Collection method: clinical testing. Allele origin: germline.
Comment: This sequence change replaces proline, which is neutral and non-polar, with serine, which is neutral and polar, at codon 606 of the NIPBL protein (p.Pro606Ser). This variant is present in population databases (no rsID available, gnomAD 0.0009%). This variant has not been reported in the literature in individuals affected with NIPBL-related conditions. Advanced modeling of protein sequence and biophysical properties (such as structural, functional, and spatial information, amino acid conservation, physicochemical variation, residue mobility, and thermodynamic stability) performed at Invitae indicates that this missense variant is not expected to disrupt NIPBL protein function with a negative predictive value of 95%. In summary, the available evidence is currently insufficient to determine the role of this variant in disease. Therefore, it has been classified as a Variant of Uncertain Significance.